The following is an entry in ClinVar:

ClinVar aggregate classification (germline): Uncertain significance. Review status: criteria provided, multiple submitters, no conflicts (2 of 4 stars). 2 submissions from 2 submitters: Uncertain significance (2). Last evaluated 2024-12-30.

Allele frequency attached by ClinVar (database versions not stated): gnomAD exomes below 0.00001; gnomAD 0.00001; TOPMed 0.00002.
gnomAD v4.1: 5 of 1,610,972 alleles (0.00031%); highest among the groups gnomAD compares: Non-Finnish European, 0.00042%; no homozygotes.

Submissions (2):

Ambry Genetics
Classification: Uncertain significance. Last evaluated: 2024-12-30. Review status: criteria provided, single submitter. Criteria: Ambry Variant Classification Scheme 2023. Collection method: clinical testing. Allele origin: germline.

Labcorp Genetics (formerly Invitae), Labcorp
Classification: Uncertain significance. Last evaluated: 2024-04-30. Review status: criteria provided, single submitter. Criteria: Invitae Variant Classification Sherloc (09022015). Collection method: clinical testing. Allele origin: germline.
Comment: This sequence change replaces leucine, which is neutral and non-polar, with valine, which is neutral and non-polar, at codon 531 of the SEMA4A protein (p.Leu531Val). This variant is not present in population databases (gnomAD no frequency). This variant has not been reported in the literature in individuals affected with SEMA4A-related conditions. ClinVar contains an entry for this variant (Variation ID: 1930711). Algorithms developed to predict the effect of missense changes on protein structure and function output the following: SIFT: "Not Available"; PolyPhen-2: "Benign"; Align-GVGD: "Not Available". The valine amino acid residue is found in multiple mammalian species, which suggests that this missense change does not adversely affect protein function. In summary, the available evidence is currently insufficient to determine the role of this variant in disease. Therefore, it has been classified as a Variant of Uncertain Significance.

NM_022367.4(SEMA4A):c.1591C>G (p.Leu531Val)

Gene: SEMA4A (semaphorin 4A; plus strand). Cytogenetic location: 1q22.
Variant type: single nucleotide variant.
Coding change: c.1591C>G on transcript NM_022367.4 (MANE Select); coding-DNA position 1591, C replaced by G.
Protein change: p.Leu531Val; replaces leucine 531 with valine.
Molecular consequence: missense variant.
Genome position (GRCh38, 1-based): chr1:156,175,242, C>G. VCF-style: chr1-156175242-C-G. GRCh37 (hg19) VCF-style: chr1-156145033-C-G.
Other names: c.1591C>G (NM_022367.3); c.1591C>G, p.Leu531Val (NM_001193300.2, NM_001193301.2, NM_001370567.1); c.1195C>G, p.Leu399Val (NM_001193302.2); c.1294C>G, p.Leu432Val (NM_001370568.1); c.1084C>G, p.Leu362Val (NM_001370569.1, NM_001370571.1); short protein forms L432V, L362V, L531V, L399V.
Identifiers: ClinVar variation 1930711 (VCV001930711.6), dbSNP rs1655203722, ClinGen allele CA342809793.